The following is an entry in ClinVar:

ClinVar aggregate classification (germline): Pathogenic (1 of 4 stars; one submission).

Submission:

Labcorp Genetics (formerly Invitae), Labcorp
Classification: Pathogenic. Last evaluated: 2023-10-16. Review status: criteria provided, single submitter. Criteria: Invitae Variant Classification Sherloc (09022015). Collection method: clinical testing. Allele origin: unknown.
Comment: This variant is a gross deletion of the genomic region encompassing exon(s) 36-41 of the EYS gene. This deletion is out-of-frame, and is expected to create a premature termination codon and result in an absent or disrupted protein product. Loss-of-function variants in EYS are known to be pathogenic (PMID: 18836446, 20333770). This variant has not been reported in the literature in individuals affected with EYS-related conditions. For these reasons, this variant has been classified as Pathogenic.

Literature cited by the submitters: PubMed 18836446; PubMed 20333770.

NC_000006.11:g.(?_64472334)_(64574271_?)del

Gene: EYS (eyes shut homolog; minus strand). Cytogenetic location: 6q12.
Variant type: Deletion.
Identifiers: ClinVar variation 3246124 (VCV003246124.1).